The following is an entry in ClinVar:

ClinVar aggregate classification (germline): Pathogenic (1 of 4 stars; one submission).

Submission:

Labcorp Genetics (formerly Invitae), Labcorp
Classification: Pathogenic. Last evaluated: 2021-09-03. Review status: criteria provided, single submitter. Criteria: Invitae Variant Classification Sherloc (09022015). Collection method: clinical testing. Allele origin: germline.
Comment: This sequence change creates a premature translational stop signal (p.Lys351*) in the MYCN gene. While this is not anticipated to result in nonsense mediated decay, it is expected to disrupt the last 114 amino acid(s) of the MYCN protein. This variant is not present in population databases (ExAC no frequency). This variant has not been reported in the literature in individuals affected with MYCN-related conditions. This variant disrupts a region of the MYCN protein in which other variant(s) (p.Arg373*) have been determined to be pathogenic (PMID: 15821734). This suggests that this is a clinically significant region of the protein, and that variants that disrupt it are likely to be disease-causing. For these reasons, this variant has been classified as Pathogenic.

Literature cited by the submitters: PubMed 15821734.

NM_005378.6(MYCN):c.1051A>T (p.Lys351Ter)

Gene: MYCN (MYCN proto-oncogene, bHLH transcription factor; plus strand). Cytogenetic location: 2p24.3.
Variant type: single nucleotide variant.
Coding change: c.1051A>T on transcript NM_005378.6 (MANE Select); coding-DNA position 1051, A replaced by T.
Protein change: p.Lys351Ter; replaces lysine 351 with a stop codon.
Molecular consequence: nonsense. On other transcripts: 3 prime UTR variant (1).
Genome position (GRCh38, 1-based): chr2:15,945,753, A>T. VCF-style: chr2-15945753-A-T. GRCh37 (hg19) VCF-style: chr2-16085875-A-T.
Other names: c.1051A>T, p.Lys351Ter (NM_001293228.2); c.418A>T, p.Lys140Ter (NM_001293231.2); c.*986A>T (NM_001293233.2); short protein forms K351*, K140*.
Identifiers: ClinVar variation 1453351 (VCV001453351.6), dbSNP rs2103331059, ClinGen allele CA345932171.